The following is an entry in ClinVar:

ClinVar aggregate classification (germline): Uncertain significance (1 of 4 stars; one submission).

Allele frequency attached by ClinVar (database versions not stated): gnomAD 0.00001.
gnomAD v4.1: 1 of 1,613,916 alleles (0.000062%); highest among the groups gnomAD compares: African/African-American, 0.0013%; no homozygotes.

Submission:

Labcorp Genetics (formerly Invitae), Labcorp
Classification: Uncertain significance. Last evaluated: 2023-12-14. Review status: criteria provided, single submitter. Criteria: Invitae Variant Classification Sherloc (09022015). Collection method: clinical testing. Allele origin: germline.
Comment: This sequence change replaces lysine, which is basic and polar, with arginine, which is basic and polar, at codon 39 of the ARHGAP31 protein (p.Lys39Arg). This variant is not present in population databases (gnomAD no frequency). This variant has not been reported in the literature in individuals affected with ARHGAP31-related conditions. Algorithms developed to predict the effect of missense changes on protein structure and function output the following: SIFT: "Not Available"; PolyPhen-2: "Probably Damaging"; Align-GVGD: "Not Available". The arginine amino acid residue is found in multiple mammalian species, which suggests that this missense change does not adversely affect protein function. In summary, the available evidence is currently insufficient to determine the role of this variant in disease. Therefore, it has been classified as a Variant of Uncertain Significance.

NM_020754.4(ARHGAP31):c.116A>G (p.Lys39Arg)

Gene: ARHGAP31 (Rho GTPase activating protein 31; plus strand). Cytogenetic location: 3q13.33.
Variant type: single nucleotide variant.
Coding change: c.116A>G on transcript NM_020754.4 (MANE Select); coding-DNA position 116, A replaced by G.
Protein change: p.Lys39Arg; replaces lysine 39 with arginine.
Molecular consequence: missense variant.
Genome position (GRCh38, 1-based): chr3:119,365,331, A>G. VCF-style: chr3-119365331-A-G. GRCh37 (hg19) VCF-style: chr3-119084178-A-G.
Other names: short protein forms K39R.
Identifiers: ClinVar variation 2703278 (VCV002703278.3), dbSNP rs2080244449, ClinGen allele CA354349372.
Genomic context (GRCh38, chr3:119,365,331, plus strand): 5'-ACTTACATCTAATACTTAATTGTTTTTTTCTTTTCTTTTACATAGTTCCATACGTTTTGA[A>G]GAGCTGTGCAGAATTTATAGAGACTCACGGCATCGTGGATGGAATCTATCGGCTTTCAGG-3'
Protein context (NP_065805.2, residues 29-49): SSGQDVPYVL[Lys39Arg]SCAEFIETHG